The following is an entry in ClinVar:

NM_001854.4(COL11A1):c.3081T>C (p.Gly1027=)

Gene: COL11A1 (collagen type XI alpha 1 chain; minus strand). Cytogenetic location: 1p21.1.
Variant type: single nucleotide variant.
Coding change: c.3081T>C on transcript NM_001854.4 (MANE Select); coding-DNA position 3081, T replaced by C.
Protein change: p.Gly1027=; no amino-acid change (glycine 1027 retained).
Molecular consequence: synonymous variant. On other transcripts: non-coding transcript variant (1).
Genome position (GRCh38, 1-based): chr1:102,962,209, A>G on the plus strand (T>C on the coding strand, the complement: COL11A1 is on the minus strand). VCF-style: chr1-102962209-A-G. GRCh37 (hg19) VCF-style: chr1-103427765-A-G.
Other names: c.2733T>C, p.Gly911= (NM_001168249.1, NM_080630.4); c.2964T>C, p.Gly988= (NM_001190709.2); c.3117T>C, p.Gly1039= (NM_080629.3).
Identifiers: ClinVar variation 2638947 (VCV002638947.24), dbSNP rs2524927133, ClinGen allele CA419197425.
Genomic context (GRCh38, chr1:102,962,209, plus strand): 5'-CTTTATCTATATAGATATTGATTATACCTGAGCTCCAGGAAGACCTCTTTCCCCTGGGAA[A>G]CCACGTAATCCTGCTGGTCCATCTTTCCCTGAGATACCTTGAGGACCTGGATCACCCTAA-3'
Protein context (NP_001845.3, residues 1017-1037): SGKDGPAGLR[Gly1027=]FPGERGLPGA

ClinVar aggregate classification (germline): Likely benign (1 of 4 stars; one submission).

Submission:

CeGaT Center for Human Genetics Tuebingen
Classification: Likely benign. Last evaluated: 2023-07-01. Review status: criteria provided, single submitter. Criteria: CeGaT Center For Human Genetics Tuebingen Variant Classification Criteria Version 2. Collection method: clinical testing. Allele origin: germline. Affected: yes. Observed: 1 variant allele.
Comment: COL11A1: PM2:Supporting, BP4, BP7